The following is an entry in ClinVar:

ClinVar aggregate classification (germline): Pathogenic (1 of 4 stars; one submission).

Conditions:
Sengers syndrome. Also called: MITOCHONDRIAL DNA DEPLETION SYNDROME 10 (CARDIOMYOPATHIC TYPE); Cardiomyopathy and cataract. Identifiers: Orphanet 1369, MedGen C1859317, MONDO:0008922, OMIM 212350.
Cataract 38. Also called: Cataract, autosomal recessive congenital 5; Cataract 38, autosomal recessive. Identifiers: Orphanet 91492, MedGen C3553494, MONDO:0013859, OMIM 614691.

Submission:

Labcorp Genetics (formerly Invitae), Labcorp
Classification: Pathogenic for Sengers syndrome; Cataract 38. Last evaluated: 2023-10-13. Review status: criteria provided, single submitter. Criteria: Invitae Variant Classification Sherloc (09022015). Collection method: clinical testing. Allele origin: germline.
Comment: This sequence change creates a premature translational stop signal (p.Arg137Aspfs*24) in the AGK gene. It is expected to result in an absent or disrupted protein product. Loss-of-function variants in AGK are known to be pathogenic (PMID: 22284826). This variant is not present in population databases (gnomAD no frequency). This variant has not been reported in the literature in individuals affected with AGK-related conditions. For these reasons, this variant has been classified as Pathogenic.

Literature cited by the submitters: PubMed 22284826.

NM_018238.4(AGK):c.409del (p.Arg137fs)

Gene: AGK (acylglycerol kinase; plus strand). Cytogenetic location: 7q34.
Variant type: Deletion.
Coding change: c.409del on transcript NM_018238.4 (MANE Select); coding-DNA position 409, one base deleted (C; older notation c.409delC).
Protein change: p.Arg137fs; shifts the reading frame from arginine 137.
Molecular consequence: frameshift variant.
Genome position (GRCh38, 1-based): chr7:141,614,164, C deleted. VCF-style (leftmost placement, unchanged base first): chr7-141614163-TC-T. GRCh37 (hg19) VCF-style: chr7-141313963-TC-T.
Other names: c.409del, p.Arg137fs (NM_001364948.3); short protein forms R137fs.
Identifiers: ClinVar variation 2952828 (VCV002952828.3), dbSNP rs2485387302, ClinGen allele CA2740094884.